The following is an entry in ClinVar:

NM_005188.4(CBL):c.2252G>C (p.Gly751Ala)

Gene: CBL (Cbl proto-oncogene; plus strand). Cytogenetic location: 11q23.3.
Variant type: single nucleotide variant.
Coding change: c.2252G>C on transcript NM_005188.4 (MANE Select); coding-DNA position 2252, G replaced by C.
Protein change: p.Gly751Ala; replaces glycine 751 with alanine.
Molecular consequence: missense variant.
Genome position (GRCh38, 1-based): chr11:119,298,358, G>C. VCF-style: chr11-119298358-G-C. GRCh37 (hg19) VCF-style: chr11-119169068-G-C.
Other names: short protein forms G751A.
Identifiers: ClinVar variation 1719969 (VCV001719969.5), dbSNP rs2135320929, ClinGen allele CA382928902.

ClinVar aggregate classification (germline): Uncertain significance (1 of 4 stars; one submission).

Conditions:
RASopathy. Also called: rasopathies; Noonan spectrum disorder. Identifiers: Orphanet 536391, MedGen C5555857, MONDO:0021060.

Submission:

Labcorp Genetics (formerly Invitae), Labcorp
Classification: Uncertain significance for RASopathy. Last evaluated: 2022-09-23. Review status: criteria provided, single submitter. Criteria: Invitae Variant Classification Sherloc (09022015). Collection method: clinical testing. Allele origin: germline.
Comment: In summary, the available evidence is currently insufficient to determine the role of this variant in disease. Therefore, it has been classified as a Variant of Uncertain Significance. Algorithms developed to predict the effect of missense changes on protein structure and function (SIFT, PolyPhen-2, Align-GVGD) all suggest that this variant is likely to be tolerated. This variant has not been reported in the literature in individuals affected with CBL-related conditions. This variant is not present in population databases (gnomAD no frequency). This sequence change replaces glycine, which is neutral and non-polar, with alanine, which is neutral and non-polar, at codon 751 of the CBL protein (p.Gly751Ala).